The following is an entry in ClinVar:

ClinVar aggregate classification (germline): Pathogenic/Likely pathogenic. Review status: criteria provided, multiple submitters, no conflicts (2 of 4 stars). 3 submissions from 3 submitters: Pathogenic (1); Likely pathogenic (2). Last evaluated 2026-09-24.

Conditions:
Osteogenesis imperfecta with normal sclerae, dominant form (OI4). Also called: Osteogenesis imperfecta type 4; Common Variable Osteogenesis Imperfecta with Normal Sclerae; Osteogenesis Imperfecta Type IV; OSTEOGENESIS IMPERFECTA WITH NORMAL SCLERAE; OSTEOGENESIS IMPERFECTA, TYPE IV, WITH DENTINOGENESIS IMPERFECTA. Identifiers: Orphanet 216820, Orphanet 666, MedGen C0268363, MONDO:0008148, OMIM 166220.
Osteogenesis imperfecta type I (OI1). Also called: Osteogenesis imperfecta type 1; Classic Non-deforming Osteogenesis Imperfecta with Blue Sclerae; Lobstein's Disease; Lobstein disease; OI, TYPE I; OSTEOGENESIS IMPERFECTA TARDA. Identifiers: Orphanet 216796, Orphanet 666, MedGen C0023931, MONDO:0008146, OMIM 166200. Disease mechanism: loss of function.

Submissions (3):

Molecular Genetics Laboratory, CHU Lille
Classification: Pathogenic for Osteogenesis imperfecta type I. Last evaluated: 2026-09-24. Review status: criteria provided, single submitter. Criteria: ACMG Guidelines, 2015. Collection method: clinical testing. Allele origin: germline. Inheritance: Autosomal dominant inheritance. Affected: yes.
Comment: This variant is predicted to substitute a tryptophan residue with a cysteine residue within the C-propeptide domain of the collagen type I alpha 1 chain. Absent from the Genome Aggregation Database, the amino acid change is evaluated as deleterious by computational tools. Because mutations in the C-propeptide region disrupt the proper assembly and association of collagen type I alpha chains, this alteration is a recognized mechanism underlying osteogenesis imperfecta.

Clinical Biomedical Laboratory, Shriners Hospital For Children - Canada
Classification: Likely pathogenic for Osteogenesis imperfecta with normal sclerae, dominant form. Last evaluated: 2025-06-18. Review status: criteria provided, single submitter. Criteria: ACMG Guidelines, 2015. Collection method: clinical testing. Allele origin: germline. Affected: yes.
Comment: This variant is predicted to substitute a tryptophan residue by a cysteine residue in the C-propeptide of collagen type I alpha 1 chain. In the Genome Aggregation Database (gnomAD v2.1.1) this variant is not present. Computational tools (Revel 0.89) suggest that the amino acid change is damaging to protein function. The variant affects the C-propeptide of the alpha 1 chain of collagen type I. C-propeptide mutations are a common cause of osteogenesis imperfecta, as they interfere with the association of alpha chains of collagen type I.

Labcorp Genetics (formerly Invitae), Labcorp
Classification: Likely pathogenic for Osteogenesis imperfecta type I. Last evaluated: 2021-03-27. Review status: criteria provided, single submitter. Criteria: Invitae Variant Classification Sherloc (09022015). Collection method: clinical testing. Allele origin: germline.
Comment: This sequence change replaces tryptophan with cysteine at codon 1325 of the COL1A1 protein (p.Trp1325Cys). The tryptophan residue is highly conserved and there is a large physicochemical difference between tryptophan and cysteine. This variant is not present in population databases (ExAC no frequency). This variant has been observed in individual(s) with clinical features of osteogenesis imperfecta (Invitae). In at least one individual the variant was observed to be de novo. In summary, the currently available evidence indicates that the variant is pathogenic, but additional data are needed to prove that conclusively. Therefore, this variant has been classified as Likely Pathogenic.

NM_000088.4(COL1A1):c.3975G>T (p.Trp1325Cys)

Gene: COL1A1 (collagen type I alpha 1 chain; minus strand). Cytogenetic location: 17q21.33.
Variant type: single nucleotide variant.
Coding change: c.3975G>T on transcript NM_000088.4 (MANE Select); coding-DNA position 3975, G replaced by T.
Protein change: p.Trp1325Cys; replaces tryptophan 1325 with cysteine.
Molecular consequence: missense variant.
Genome position (GRCh38, 1-based): chr17:50,186,347, C>A on the plus strand (G>T on the coding strand, the complement: COL1A1 is on the minus strand). VCF-style: chr17-50186347-C-A. GRCh37 (hg19) VCF-style: chr17-48263708-C-A.
Other names: short protein forms W1325C.
Identifiers: ClinVar variation 1063789 (VCV001063789.11), dbSNP rs2144534276, ClinGen allele CA400193156.